The following is an entry in ClinVar:

ClinVar aggregate classification (germline): Benign. Review status: criteria provided, multiple submitters, no conflicts (2 of 4 stars). 7 submissions from 7 submitters: Benign (5). 2 of the submissions do not count toward it. Last evaluated 2026-02-02.

Conditions:
ALG6-congenital disorder of glycosylation 1C (CDG1C). Also called: CDG Ic; Congenital disorder of glycosylation, type Ic; CARBOHYDRATE-DEFICIENT GLYCOPROTEIN SYNDROME, TYPE I, WITH DEFICIENT GLYCOSYLATION OF DOLICHOL-LINKED OLIGOSACCHARIDE; CARBOHYDRATE-DEFICIENT GLYCOPROTEIN SYNDROME, TYPE V; Congenital disorder of glycosylation type 1C. Identifiers: Orphanet 79320, MedGen C2930997, MONDO:0011291, OMIM 603147.

Allele frequency attached by ClinVar (database versions not stated): gnomAD 0.02127 and 0.02294; ESP Exome Variant Server 0.02191; 1000 Genomes Project 0.02196; TOPMed 0.02345; 1000 Genomes Project 30x 0.02545.
gnomAD v4.1: 6,176 of 1,614,038 alleles (0.38%); highest among the groups gnomAD compares: African/African-American, 7.1%; 220 homozygotes.

Submissions (7):

Labcorp Genetics (formerly Invitae), Labcorp
Classification: Benign for ALG6-congenital disorder of glycosylation 1C. Last evaluated: 2026-02-02. Review status: criteria provided, single submitter. Criteria: Invitae Variant Classification Sherloc (09022015). Collection method: clinical testing. Allele origin: germline.

Mayo Clinic Laboratories, Mayo Clinic
Classification: Benign. Last evaluated: 2022-03-23. Review status: criteria provided, single submitter. Criteria: ACMG Guidelines, 2015. Collection method: clinical testing. Allele origin: germline. Observed: 6 variant alleles.

Illumina Laboratory Services, Illumina
Classification: Benign for ALG6-congenital disorder of glycosylation 1C. Last evaluated: 2018-01-13. Review status: criteria provided, single submitter. Criteria: ICSL Variant Classification Criteria 13 December 2019. Collection method: clinical testing. Allele origin: germline.
Comment: This variant was observed in the ICSL laboratory as part of a predisposition screen in an ostensibly healthy population. It had not been previously curated by ICSL or reported in the Human Gene Mutation Database (HGMD: prior to June 1st, 2018), and was therefore a candidate for classification through an automated scoring system. Utilizing variant allele frequency, disease prevalence and penetrance estimates, and inheritance mode, an automated score was calculated to assess if this variant is too frequent to cause the disease. Based on the score and internal cut-off values, a variant classified as benign is not then subjected to further curation. The score for this variant resulted in a classification of benign for this disease.

GeneDx
Classification: Benign. Last evaluated: 2016-02-16. Review status: criteria provided, single submitter. Criteria: GeneDx Variant Classification (06012015). Collection method: clinical testing. Allele origin: germline. Affected: yes.
Comment: This variant is considered likely benign or benign based on one or more of the following criteria: it is a conservative change, it occurs at a poorly conserved position in the protein, it is predicted to be benign by multiple in silico algorithms, and/or has population frequency not consistent with disease.

Breakthrough Genomics
Classification: Benign. Review status: criteria provided, single submitter. Criteria: ACMG Guidelines, 2015. Collection method: not provided. Allele origin: germline. Inheritance: Autosomal recessive inheritance. Affected: yes.

Natera, Inc.
Classification: Benign for Congenital disorder of glycosylation type 1c. Last evaluated: 2020-09-16. Review status: no assertion criteria provided. Collection method: clinical testing. Allele origin: germline. Not counted in ClinVar's aggregate classification.

Genetic Services Laboratory, University of Chicago
Classification: Likely benign for AllHighlyPenetrant. Review status: no assertion criteria provided. Collection method: clinical testing. Allele origin: germline. Inheritance: Autosomal recessive inheritance. Not counted in ClinVar's aggregate classification.
Comment: Likely benign based on allele frequency in 1000 Genomes Project or ESP global frequency and its presence in a patient with a rare or unrelated disease phenotype. NOT Sanger confirmed.

NM_013339.4(ALG6):c.726C>T (p.Phe242=)

Gene: ALG6 (ALG6 alpha-1,3-glucosyltransferase; plus strand). Cytogenetic location: 1p31.3.
Variant type: single nucleotide variant.
Coding change: c.726C>T on transcript NM_013339.4 (MANE Select); coding-DNA position 726, C replaced by T.
Protein change: p.Phe242=; no amino-acid change (phenylalanine 242 retained).
Molecular consequence: synonymous variant.
Genome position (GRCh38, 1-based): chr1:63,411,971, C>T. VCF-style: chr1-63411971-C-T. GRCh37 (hg19) VCF-style: chr1-63877642-C-T.
Other names: p.Phe242=; c.726C>T, p.Phe242= (LRG_1260t1).
Identifiers: ClinVar variation 128353 (VCV000128353.22), dbSNP rs59848367, ClinGen allele CA151752.